The following is an entry in ClinVar:

NM_001164665.2(KIAA1549):c.3326C>T (p.Pro1109Leu)

Gene: KIAA1549 (KIAA1549; minus strand). Cytogenetic location: 7q34.
Variant type: single nucleotide variant.
Coding change: c.3326C>T on transcript NM_001164665.2 (MANE Select); coding-DNA position 3326, C replaced by T.
Protein change: p.Pro1109Leu; replaces proline 1109 with leucine.
Molecular consequence: missense variant.
Genome position (GRCh38, 1-based): chr7:138,907,053, G>A on the plus strand (C>T on the coding strand, the complement: KIAA1549 is on the minus strand). VCF-style: chr7-138907053-G-A. GRCh37 (hg19) VCF-style: chr7-138591799-G-A.
Other names: c.3326C>T, p.Pro1109Leu (NM_020910.3); short protein forms P1109L.
Identifiers: ClinVar variation 853589 (VCV000853589.10), dbSNP rs532793851, ClinGen allele CA4506240.

ClinVar aggregate classification (germline): Uncertain significance. Review status: criteria provided, multiple submitters, no conflicts (2 of 4 stars). 2 submissions from 2 submitters: Uncertain significance (2). Last evaluated 2024-02-16.

Allele frequency attached by ClinVar (database versions not stated): TOPMed 0.00001; 1000 Genomes Project 30x 0.00016; 1000 Genomes Project 0.00020.
gnomAD v4.1: 18 of 1,612,592 alleles (0.0011%); highest among the groups gnomAD compares: South Asian, 0.0033%; no homozygotes.

Submissions (2):

Blueprint Genetics
Classification: Uncertain significance. Last evaluated: 2024-02-16. Review status: criteria provided, single submitter. Criteria: ACMG Guidelines, 2015. Collection method: clinical testing. Allele origin: germline.

Labcorp Genetics (formerly Invitae), Labcorp
Classification: Uncertain significance. Last evaluated: 2022-04-12. Review status: criteria provided, single submitter. Criteria: Invitae Variant Classification Sherloc (09022015). Collection method: clinical testing. Allele origin: germline.
Comment: In summary, the available evidence is currently insufficient to determine the role of this variant in disease. Therefore, it has been classified as a Variant of Uncertain Significance. Algorithms developed to predict the effect of missense changes on protein structure and function are either unavailable or do not agree on the potential impact of this missense change (SIFT: "Deleterious"; PolyPhen-2: "Probably Damaging"; Align-GVGD: "Class C0"). ClinVar contains an entry for this variant (Variation ID: 853589). This variant has not been reported in the literature in individuals affected with KIAA1549-related conditions. This variant is present in population databases (rs532793851, gnomAD 0.006%). This sequence change replaces proline, which is neutral and non-polar, with leucine, which is neutral and non-polar, at codon 1109 of the KIAA1549 protein (p.Pro1109Leu).